The following is an entry in ClinVar:

NM_001256789.3(CACNA1F):c.673A>G (p.Ile225Val)

Gene: CACNA1F (calcium voltage-gated channel subunit alpha1 F; minus strand). Cytogenetic location: Xp11.23.
Variant type: single nucleotide variant.
Coding change: c.673A>G on transcript NM_001256789.3 (MANE Select); coding-DNA position 673, A replaced by G.
Protein change: p.Ile225Val; replaces isoleucine 225 with valine.
Molecular consequence: missense variant.
Genome position (GRCh38, 1-based): chrX:49,230,364, T>C on the plus strand (A>G on the coding strand, the complement: CACNA1F is on the minus strand). VCF-style: chrX-49230364-T-C. GRCh37 (hg19) VCF-style: chrX-49086826-T-C.
Other names: c.478A>G, p.Ile160Val (NM_001256790.3); c.673A>G, p.Ile225Val (NM_005183.4); short protein forms I160V, I225V.
Identifiers: ClinVar variation 3677589 (VCV003677589.2).

ClinVar aggregate classification (germline): Uncertain significance (1 of 4 stars; one submission).

Submission:

Labcorp Genetics (formerly Invitae), Labcorp
Classification: Uncertain significance. Last evaluated: 2024-07-23. Review status: criteria provided, single submitter. Criteria: Invitae Variant Classification Sherloc (09022015). Collection method: clinical testing. Allele origin: germline.
Comment: This sequence change replaces isoleucine, which is neutral and non-polar, with valine, which is neutral and non-polar, at codon 225 of the CACNA1F protein (p.Ile225Val). This variant is not present in population databases (gnomAD no frequency). This variant has not been reported in the literature in individuals affected with CACNA1F-related conditions. Advanced modeling of protein sequence and biophysical properties (such as structural, functional, and spatial information, amino acid conservation, physicochemical variation, residue mobility, and thermodynamic stability) performed at Invitae indicates that this missense variant is not expected to disrupt CACNA1F protein function with a negative predictive value of 80%. In summary, the available evidence is currently insufficient to determine the role of this variant in disease. Therefore, it has been classified as a Variant of Uncertain Significance.